The following is an entry in ClinVar:

ClinVar aggregate classification (germline): Likely benign (1 of 4 stars; one submission).

Conditions:
Breast-ovarian cancer, familial, susceptibility to, 2 (BROVCA2). Also called: BRCA2 Hereditary Breast and Ovarian Cancer. Identifiers: Orphanet 145, MedGen C2675520, MONDO:0012933, OMIM 612555. Disease mechanism: loss of function.

Allele frequency attached by ClinVar (database versions not stated): gnomAD exomes below 0.00001; TOPMed below 0.00001; gnomAD 0.00001.
gnomAD v4.1: 2 of 1,608,146 alleles (0.00012%); highest among the groups gnomAD compares: Non-Finnish European, 0.00017%; no homozygotes.

Submission:

All of Us Research Program, National Institutes of Health
Classification: Likely benign for Breast-ovarian cancer, familial, susceptibility to, 2. Last evaluated: 2023-05-16. Review status: criteria provided, single submitter. Criteria: ACMG Guidelines, 2015. Collection method: clinical testing. Allele origin: germline. Inheritance: Autosomal dominant inheritance. Observed: 1 variant allele, 1 heterozygote.
Comment: This study involves interpretation of variants in research participants for the purpose of population health screening. Participant phenotype was not available at the time of variant classification. Additional details can be found in publication PMID: 35346344, PMCID: PMC8962531

NM_000059.4(BRCA2):c.5592C>T (p.Asp1864=)

Gene: BRCA2 (BRCA2 DNA repair associated; plus strand). Cytogenetic location: 13q13.1.
Variant type: single nucleotide variant.
Coding change: c.5592C>T on transcript NM_000059.4 (MANE Select); coding-DNA position 5592, C replaced by T.
Protein change: p.Asp1864=; no amino-acid change (aspartic acid 1864 retained).
Molecular consequence: synonymous variant. On other transcripts: non-coding transcript variant (1), intron variant (2).
Genome position (GRCh38, 1-based): chr13:32,339,947, C>T. VCF-style: chr13-32339947-C-T. GRCh37 (hg19) VCF-style: chr13-32914084-C-T.
Other names: c.5592C>T, p.Asp1864= (NM_001406719.1, NM_001406720.1); c.1910-4611C>T (NM_001406721.1); c.425-4611C>T (NM_001406722.1).
Identifiers: ClinVar variation 3075631 (VCV003075631.1), dbSNP rs1198204828, ClinGen allele CA483438735.